The following is an entry in ClinVar:

NC_000003.12:g.12589035_12766981dup

Genes: RAF1 (Raf-1 proto-oncogene, serine/threonine kinase; minus strand), TMEM40 (transmembrane protein 40; minus strand), LOC129389024 (MPRA-validated peak4543 silencer; plus strand), LOC129936177 (ATAC-STARR-seq lymphoblastoid active region 19447; plus strand), LOC129936178 (ATAC-STARR-seq lymphoblastoid active region 19449; plus strand) and 7 more. Cytogenetic location: 3p25.2.
Variant type: Duplication.
Identifiers: ClinVar variation 1213769 (VCV001213769.4).

ClinVar aggregate classification (germline): Uncertain significance. Review status: criteria provided, single submitter (1 of 4 stars). 2 submissions from 1 submitter: Uncertain significance (1). 1 of the submissions does not count toward it. Last evaluated 2021-04-23.

Conditions:
LEOPARD syndrome 2 (LPRD2). Also called: RAF1-Related LEOPARD Syndrome. Identifiers: Orphanet 500, MedGen C1969056, MONDO:0012691, OMIM 611554.
Noonan syndrome 5 (NS5). Also called: RAF1-Related Noonan Syndrome. Identifiers: Orphanet 648, MedGen C1969057, MONDO:0012690, OMIM 611553. Disease mechanism: gain of function.

Submissions (2):

New York Genome Center
Classification: Uncertain significance for LEOPARD syndrome 2; Noonan syndrome 5. Last evaluated: 2021-04-23. Review status: criteria provided, single submitter. Criteria: NYGC Assertion Criteria 2020. Collection method: clinical testing. Allele origin: germline. Observed: 1 variant allele. Study: CSER-NYCKidSeq.

New York Genome Center
Classification: Uncertain significance. Last evaluated: 2020-10-16. Review status: flagged submission. Criteria: NYGC Assertion Criteria 2020. Collection method: clinical testing. Allele origin: inherited. Observed: 1 variant allele. Study: CSER-NYCKidSeq. Not counted in ClinVar's aggregate classification.
ClinVar note: Reason: This record appears to be redundant with a more recent record from the same submitter.
ClinVar note: Notes: SCV001815764 appears to be redundant with SCV002099340.